The following is an entry in ClinVar:

NM_007294.4(BRCA1):c.2227A>C (p.Asn743His)

Gene: BRCA1 (BRCA1 DNA repair associated; minus strand). Cytogenetic location: 17q21.31.
Variant type: single nucleotide variant.
Coding change: c.2227A>C on transcript NM_007294.4 (MANE Select); coding-DNA position 2227, A replaced by C.
Protein change: p.Asn743His; replaces asparagine 743 with histidine.
Molecular consequence: missense variant. On other transcripts: intron variant (137).
Genome position (GRCh38, 1-based): chr17:43,093,304, T>G on the plus strand (A>C on the coding strand, the complement: BRCA1 is on the minus strand). VCF-style: chr17-43093304-T-G. GRCh37 (hg19) VCF-style: chr17-41245321-T-G.
Other names: c.2227A>C, p.Asn743His (NM_001407623.1, NM_001407624.1, NM_001407625.1 and 30 more transcripts); c.2224A>C, p.Asn742His (NM_001407627.1, NM_001407628.1, NM_001407629.1 and 22 more transcripts); c.2218A>C, p.Asn740His (NM_001407646.1, NM_001407647.1); c.2104A>C, p.Asn702His (NM_001407648.1, NM_001407664.1, NM_001407665.1 and 19 more transcripts); c.2101A>C, p.Asn701His (NM_001407649.1, NM_001407670.1, NM_001407671.1 and 11 more transcripts); c.2149A>C, p.Asn717His (NM_001407663.1, NM_001407653.1, NM_001407654.1 and 4 more transcripts); c.2086A>C, p.Asn696His (NM_001407727.1, NM_001407728.1, NM_001407729.1 and 29 more transcripts); c.2083A>C, p.Asn695His (NM_001407746.1, NM_001407747.1, NM_001407748.1 and 20 more transcripts); and 41 more; short protein forms N743H, N696H, N575H, N672H, N675H, N716H, N615H, N616H.
Identifiers: ClinVar variation 482913 (VCV000482913.21), dbSNP rs1212635015, ClinGen allele CA10597547.

ClinVar aggregate classification (germline): Conflicting classifications of pathogenicity. Review status: criteria provided, conflicting classifications (1 of 4 stars). 5 submissions from 5 submitters: Uncertain significance (3); Likely benign (2). Last evaluated 2025-10-19.

Conditions:
Hereditary cancer-predisposing syndrome. Also called: Tumor predisposition; Hereditary Cancer Syndrome; Hereditary neoplastic syndrome; Neoplastic Syndromes, Hereditary. Identifiers: Orphanet 140162, MedGen C0027672, MeSH D009386, MONDO:0015356.
Hereditary breast ovarian cancer syndrome. Also called: Breast and ovarian cancer; Hereditary breast and/or ovarian cancer syndrome; BRCA1- and BRCA2-Associated Hereditary Breast and Ovarian Cancer; Hereditary breast and ovarian cancer syndrome; Hereditary breast and ovarian cancer syndrome (HBOC); Hereditary breast and ovarian cancer. Identifiers: Orphanet 145, MedGen C0677776, MeSH D061325, MONDO:0003582. Disease mechanism: loss of function.
Familial cancer of breast. Also called: BREAST CANCER, FAMILIAL; Hereditary breast cancer; hereditary breast carcinoma. Identifiers: Orphanet 227535, MedGen C0346153, MONDO:0016419, OMIM 114480. Disease mechanism: loss of function.
Breast-ovarian cancer, familial, susceptibility to, 1 (BROVCA1). Also called: BRCA1 Hereditary Breast and Ovarian Cancer; OVARIAN CANCER, SUSCEPTIBILITY TO. Identifiers: Orphanet 145, MedGen C2676676, MONDO:0011450, OMIM 604370. Disease mechanism: loss of function.
Fanconi anemia, complementation group S (FANCS). Identifiers: MedGen C4554406, MONDO:0054748, OMIM 617883.

Submissions (5):

Women's Health and Genetics/Laboratory Corporation of America, LabCorp
Classification: Uncertain significance. Last evaluated: 2025-10-19. Review status: criteria provided, single submitter. Criteria: LabCorp Variant Classification Summary - May 2015. Collection method: clinical testing. Allele origin: germline.

Ambry Genetics
Classification: Likely benign for Hereditary cancer-predisposing syndrome. Last evaluated: 2025-07-01. Review status: criteria provided, single submitter. Criteria: Ambry Variant Classification Scheme 2023. Collection method: clinical testing. Allele origin: germline.

University of Washington Department of Laboratory Medicine, University of Washington
Classification: Likely benign for Hereditary cancer-predisposing syndrome. Last evaluated: 2023-03-23. Review status: criteria provided, single submitter. Criteria: Dines et al. (Genet Med. 2020). Collection method: curation. Allele origin: germline.
Comment: Missense variant in a coldspot region where missense variants are very unlikely to be pathogenic (PMID:31911673).

BRCA1 coldspot (exon 11 using historical exon numbering). Reclassification based on statistical prior probability

Department of Pathology and Laboratory Medicine, Sinai Health System
Classification: Uncertain significance for Familial cancer of breast; Breast-ovarian cancer, familial, susceptibility to, 1; Fanconi anemia, complementation group S. Last evaluated: 2022-08-15. Review status: criteria provided, single submitter. Criteria: ACMG Guidelines, 2015. Collection method: clinical testing. Allele origin: germline. Affected: yes.

Labcorp Genetics (formerly Invitae), Labcorp
Classification: Uncertain significance for Hereditary breast ovarian cancer syndrome. Last evaluated: 2021-07-17. Review status: criteria provided, single submitter. Criteria: Invitae Variant Classification Sherloc (09022015). Collection method: clinical testing. Allele origin: germline.
Comment: This sequence change replaces asparagine with histidine at codon 743 of the BRCA1 protein (p.Asn743His). The asparagine residue is weakly conserved and there is a small physicochemical difference between asparagine and histidine. This variant is not present in population databases (ExAC no frequency). This variant has not been reported in the literature in individuals with BRCA1-related conditions. ClinVar contains an entry for this variant (Variation ID: 482913). Advanced modeling of protein sequence and biophysical properties (such as structural, functional, and spatial information, amino acid conservation, physicochemical variation, residue mobility, and thermodynamic stability) performed at Invitae indicates that this missense variant is not expected to disrupt BRCA1 protein function. In summary, the available evidence is currently insufficient to determine the role of this variant in disease. Therefore, it has been classified as a Variant of Uncertain Significance.